The following is an entry in ClinVar:

ClinVar aggregate classification (germline): Pathogenic (1 of 4 stars; one submission).

Conditions:
Finnish congenital nephrotic syndrome (NPHS1). Also called: NEPHROTIC SYNDROME, TYPE 1. Identifiers: Orphanet 839, MedGen C0403399, MONDO:0009732, OMIM 256300.

Submission:

Myriad Genetics, Inc.
Classification: Pathogenic for Finnish congenital nephrotic syndrome. Last evaluated: 2023-08-22. Review status: criteria provided, single submitter. Criteria: Myriad Autosomal Dominant, Autosomal Recessive and X-Linked Classification Criteria (2023). Collection method: clinical testing. Allele origin: unknown.
Comment: NM_004646.3(NPHS1):c.262delGinsTC(D88Sfs*4) is expected to be pathogenic in the context of nephrotic syndrome, NPHS1-related. This variant is predicted to lead to an abnormal or absent protein product due to the creation of a premature termination codon in NPHS1, a gene where loss-of-function variants are known to be pathogenic. Please note: this variant was assessed in the context of healthy population screening.

NM_004646.4(NPHS1):c.262delinsTC (p.Asp88fs)

Genes: KIRREL2 (kirre like nephrin family adhesion molecule 2; plus strand), NPHS1 (NPHS1 adhesion molecule, nephrin; minus strand). Cytogenetic location: 19q13.12.
Variant type: Indel.
Coding change: c.262delinsTC on transcript NM_004646.4 (MANE Select); coding-DNA position 262, G replaced by TC.
Protein change: p.Asp88fs; shifts the reading frame from aspartic acid 88.
Molecular consequence: frameshift variant.
Genome position (GRCh38, 1-based): chr19:35,851,469, C replaced by GA on the plus strand (G replaced by TC on the coding strand, the reverse complement: NPHS1 is on the minus strand). VCF-style: chr19-35851469-C-GA. GRCh37 (hg19) VCF-style: chr19-36342371-C-GA.
Other names: short protein forms D88fs.
Identifiers: ClinVar variation 5011459 (VCV005011459.1).